The following is an entry in ClinVar:

ClinVar aggregate classification (germline): Uncertain significance (1 of 4 stars; one submission).

Submission:

GeneDx
Classification: Uncertain significance. Last evaluated: 2026-03-10. Review status: criteria provided, single submitter. Criteria: GeneDx Variant Classification Process June 2021. Collection method: clinical testing. Allele origin: germline.
Comment: Not observed at significant frequency in large population cohorts (gnomAD); In silico analysis supports that this missense variant has a deleterious effect on protein structure/function; Has not been previously published as pathogenic or benign to our knowledge

NM_000937.5(POLR2A):c.821A>G (p.Asp274Gly)

Gene: POLR2A (RNA polymerase II subunit A; plus strand). Cytogenetic location: 17p13.1.
Variant type: single nucleotide variant.
Coding change: c.821A>G on transcript NM_000937.5 (MANE Select); coding-DNA position 821, A replaced by G.
Protein change: p.Asp274Gly; replaces aspartic acid 274 with glycine.
Molecular consequence: missense variant.
Genome position (GRCh38, 1-based): chr17:7,497,357, A>G. VCF-style: chr17-7497357-A-G. GRCh37 (hg19) VCF-style: chr17-7400676-A-G.
Other names: short protein forms D274G.
Identifiers: ClinVar variation 5008927 (VCV005008927.1).